The following is an entry in ClinVar:

ClinVar aggregate classification (germline): Uncertain significance (1 of 4 stars; one submission).

Conditions:
Tuberous sclerosis 2 (TSC2). Identifiers: Orphanet 805, MedGen C1860707, MONDO:0013199, OMIM 613254.

Allele frequency attached by ClinVar (database versions not stated): gnomAD exomes below 0.00001.
gnomAD v4.1: 1 of 1,614,250 alleles (0.000062%); highest among the groups gnomAD compares: Non-Finnish European, 0.000085%; no homozygotes.

Submission:

Labcorp Genetics (formerly Invitae), Labcorp
Classification: Uncertain significance for Tuberous sclerosis 2. Last evaluated: 2022-06-14. Review status: criteria provided, single submitter. Criteria: Invitae Variant Classification Sherloc (09022015). Collection method: clinical testing. Allele origin: germline.
Comment: This sequence change replaces alanine, which is neutral and non-polar, with glycine, which is neutral and non-polar, at codon 145 of the TSC2 protein (p.Ala145Gly). This variant is not present in population databases (gnomAD no frequency). This variant has not been reported in the literature in individuals affected with TSC2-related conditions. Advanced modeling of protein sequence and biophysical properties (such as structural, functional, and spatial information, amino acid conservation, physicochemical variation, residue mobility, and thermodynamic stability) performed at Invitae indicates that this missense variant is not expected to disrupt TSC2 protein function. In summary, the available evidence is currently insufficient to determine the role of this variant in disease. Therefore, it has been classified as a Variant of Uncertain Significance.

NM_000548.5(TSC2):c.434C>G (p.Ala145Gly)

Gene: TSC2 (TSC complex subunit 2; plus strand). Cytogenetic location: 16p13.3.
Variant type: single nucleotide variant.
Coding change: c.434C>G on transcript NM_000548.5 (MANE Select); coding-DNA position 434, C replaced by G.
Protein change: p.Ala145Gly; replaces alanine 145 with glycine.
Molecular consequence: missense variant. On other transcripts: intron variant (1).
Genome position (GRCh38, 1-based): chr16:2,054,393, C>G. VCF-style: chr16-2054393-C-G. GRCh37 (hg19) VCF-style: chr16-2104394-C-G.
Other names: c.434C>G, p.Ala145Gly (NM_001077183.3, NM_001114382.3, NM_001363528.2 and 3 more transcripts); c.323C>G, p.Ala108Gly (NM_001318827.2); c.287C>G, p.Ala96Gly (NM_001318829.2); c.467C>G, p.Ala156Gly (NM_001318832.2); c.-1-1803C>G (NM_001318831.2); short protein forms A108G, A145G, A156G, A96G.
Identifiers: ClinVar variation 1364277 (VCV001364277.8), dbSNP rs1596265255, ClinGen allele CA394307361.